The following is an entry in ClinVar:

NM_005120.3(MED12):c.5672C>G (p.Ser1891Cys)

Gene: MED12 (mediator complex subunit 12; plus strand). Cytogenetic location: Xq13.1.
Variant type: single nucleotide variant.
Coding change: c.5672C>G on transcript NM_005120.3 (MANE Select); coding-DNA position 5672, C replaced by G.
Protein change: p.Ser1891Cys; replaces serine 1891 with cysteine.
Molecular consequence: missense variant.
Genome position (GRCh38, 1-based): chrX:71,137,307, C>G. VCF-style: chrX-71137307-C-G. GRCh37 (hg19) VCF-style: chrX-70357157-C-G.
Other names: short protein forms S1891C.
Identifiers: ClinVar variation 3224592 (VCV003224592.2), dbSNP rs2519714158, ClinGen allele CA413537161.

ClinVar aggregate classification (germline): Uncertain significance. Review status: criteria provided, multiple submitters, no conflicts (2 of 4 stars). 2 submissions from 2 submitters: Uncertain significance (2). Last evaluated 2024-05-24.

Conditions:
Familial thoracic aortic aneurysm and aortic dissection (TAAD). Also called: Thoracic aortic aneurysms and dissections. Identifiers: Orphanet 91387, MedGen C4707243, MONDO:0019625.

Submissions (2):

GeneDx
Classification: Uncertain significance. Last evaluated: 2024-05-24. Review status: criteria provided, single submitter. Criteria: GeneDx Variant Classification Process June 2021. Collection method: clinical testing. Allele origin: germline. Affected: yes.
Comment: Not observed at significant frequency in large population cohorts (gnomAD); In silico analysis indicates that this missense variant does not alter protein structure/function; Has not been previously published as pathogenic or benign to our knowledge

Ambry Genetics
Classification: Uncertain significance for Familial thoracic aortic aneurysm and aortic dissection. Last evaluated: 2023-09-28. Review status: criteria provided, single submitter. Criteria: Ambry Variant Classification Scheme 2023. Collection method: clinical testing. Allele origin: germline.
Comment: The p.S1891C variant (also known as c.5672C>G), located in coding exon 39 of the MED12 gene, results from a C to G substitution at nucleotide position 5672. The serine at codon 1891 is replaced by cysteine, an amino acid with dissimilar properties. This amino acid position is conserved. In addition, this alteration is predicted to be tolerated by in silico analysis. Since supporting evidence is limited at this time, the clinical significance of this alteration remains unclear.